The following is an entry in ClinVar:

ClinVar aggregate classification (germline): Uncertain significance (1 of 4 stars; one submission).

Conditions:
Kleefstra syndrome 2 (KLEFS2). Identifiers: MedGen C4540395, MONDO:0054701, OMIM 617768.

Submission:

New York Genome Center
Classification: Uncertain significance for Kleefstra syndrome 2. Last evaluated: 2020-06-26. Review status: criteria provided, single submitter. Criteria: NYGC Assertion Criteria 2020. Collection method: clinical testing. Allele origin: inherited. Observed: 1 variant allele. Study: CSER-NYCKidSeq.
Comment: The inherited 349 kb duplication results in duplication of the first 38 exons (of 59) of the KMT2C gene. The majority of pathogenic variants in KMT2C are nonsense or frameshift [3,4], suggesting loss-of-function is the likely mechanism of disease. Moreover, ClinGen Dosage Sensitivity curation [5] indicates that the KMT2C gene has haploinsufficiency score of 3 (i.e. sufficient evidence for haploinsufficiency) whereas triplosensitivity score is zero (i.e., no evidence for triplosensitivity). There are no additional protein coding genes located within this duplication. Based on the available evidence, the 349 kb duplication inherited from an asymptomatic parent is assessed as a variant of uncertain significance.

NC_000007.14:g.152175569_152524553dup

Genes: KMT2C (lysine methyltransferase 2C; minus strand), LINC01003 (long intergenic non-protein coding RNA 1003; plus strand), LOC123956272 (Sharpr-MPRA regulatory region 15588; plus strand), LOC123956273 (Sharpr-MPRA regulatory region 5889; plus strand), LOC129389938 (MPRA-validated peak6855 silencer; plus strand) and 9 more. Cytogenetic location: 7q36.1.
Variant type: Duplication.
Identifiers: ClinVar variation 1184411 (VCV001184411.2).